The following is an entry in ClinVar:

ClinVar aggregate classification (germline): Uncertain significance. Review status: criteria provided, multiple submitters, no conflicts (2 of 4 stars). 3 submissions from 3 submitters: Uncertain significance (3). Last evaluated 2025-08-20.

Allele frequency attached by ClinVar (database versions not stated): ESP Exome Variant Server 0.00008; TOPMed 0.00008.

Submissions (3):

Labcorp Genetics (formerly Invitae), Labcorp
Classification: Uncertain significance. Last evaluated: 2025-08-20. Review status: criteria provided, single submitter. Criteria: Invitae Variant Classification Sherloc (09022015). Collection method: clinical testing. Allele origin: germline.
Comment: This sequence change replaces valine, which is neutral and non-polar, with phenylalanine, which is neutral and non-polar, at codon 203 of the C15orf41 protein (p.Val203Phe). This variant is present in population databases (rs370422637, gnomAD 0.02%). This variant has not been reported in the literature in individuals affected with C15orf41-related conditions. ClinVar contains an entry for this variant (Variation ID: 2081781). Invitae Evidence Modeling of protein sequence and biophysical properties (such as structural, functional, and spatial information, amino acid conservation, physicochemical variation, residue mobility, and thermodynamic stability) indicates that this missense variant is not expected to disrupt C15orf41 protein function with a negative predictive value of 80%. In summary, the available evidence is currently insufficient to determine the role of this variant in disease. Therefore, it has been classified as a Variant of Uncertain Significance.

GeneDx
Classification: Uncertain significance. Last evaluated: 2023-05-28. Review status: criteria provided, single submitter. Criteria: GeneDx Variant Classification Process June 2021. Collection method: clinical testing. Allele origin: germline. Affected: yes.
Comment: In silico analysis supports that this missense variant does not alter protein structure/function; Has not been previously published as pathogenic or benign to our knowledge

Blueprint Genetics
Classification: Uncertain significance. Last evaluated: 2023-05-26. Review status: criteria provided, single submitter. Criteria: ACMG Guidelines, 2015. Collection method: clinical testing. Allele origin: germline.

NM_001321759.2(CDIN1):c.607G>T (p.Val203Phe)

Gene: CDIN1 (CDAN1 interacting nuclease 1; plus strand). Cytogenetic location: 15q14.
Variant type: single nucleotide variant.
Coding change: c.607G>T on transcript NM_001321759.2 (MANE Select); coding-DNA position 607, G replaced by T.
Protein change: p.Val203Phe; replaces valine 203 with phenylalanine.
Molecular consequence: missense variant.
Genome position (GRCh38, 1-based): chr15:36,709,285, G>T. VCF-style: chr15-36709285-G-T. GRCh37 (hg19) VCF-style: chr15-37001486-G-T.
Other names: c.607G>T, p.Val203Phe (NM_001130010.3, NM_001290233.2, NM_001321760.2 and 1 more transcripts); c.313G>T, p.Val105Phe (NM_001290232.2, NM_001321756.2, NM_032499.6); c.238G>T, p.Val80Phe (NM_001321757.2); c.496G>T, p.Val166Phe (NM_001321758.2); c.607G>T (NM_001130010.2); short protein forms V105F, V203F, V80F, V166F.
Identifiers: ClinVar variation 2081781 (VCV002081781.4), dbSNP rs370422637, ClinGen allele CA7468950.